The following is an entry in ClinVar:

NM_000126.4(ETFA):c.866G>C (p.Gly289Ala)

Gene: ETFA (electron transfer flavoprotein subunit alpha; minus strand). Cytogenetic location: 15q24.2.
Variant type: single nucleotide variant.
Coding change: c.866G>C on transcript NM_000126.4 (MANE Select); coding-DNA position 866, G replaced by C.
Protein change: p.Gly289Ala; replaces glycine 289 with alanine.
Molecular consequence: missense variant.
Genome position (GRCh38, 1-based): chr15:76,231,349, C>G on the plus strand (G>C on the coding strand, the complement: ETFA is on the minus strand). VCF-style: chr15-76231349-C-G. GRCh37 (hg19) VCF-style: chr15-76523690-C-G.
Other names: c.719G>C, p.Gly240Ala (NM_001127716.2); short protein forms G289A, G240A.
Identifiers: ClinVar variation 2165603 (VCV002165603.4), dbSNP rs2542969682, ClinGen allele CA393515642.

ClinVar aggregate classification (germline): Uncertain significance (1 of 4 stars; one submission).

Conditions:
Multiple acyl-CoA dehydrogenase deficiency (MADD). Also called: Glutaric Acidemia type 2; ETHYLMALONIC-ADIPICACIDURIA; GA II; Glutaric aciduria, type 2; Glutaric acidemia type II; GA 2. Identifiers: Orphanet 26791, MedGen C0268596, MONDO:0009282, OMIM 231680.

Submission:

Labcorp Genetics (formerly Invitae), Labcorp
Classification: Uncertain significance for Multiple acyl-CoA dehydrogenase deficiency. Last evaluated: 2022-04-14. Review status: criteria provided, single submitter. Criteria: Invitae Variant Classification Sherloc (09022015). Collection method: clinical testing. Allele origin: germline.
Comment: This sequence change replaces glycine, which is neutral and non-polar, with alanine, which is neutral and non-polar, at codon 289 of the ETFA protein (p.Gly289Ala). This variant is not present in population databases (gnomAD no frequency). This variant has not been reported in the literature in individuals affected with ETFA-related conditions. Algorithms developed to predict the effect of missense changes on protein structure and function (SIFT, PolyPhen-2, Align-GVGD) all suggest that this variant is likely to be disruptive. In summary, the available evidence is currently insufficient to determine the role of this variant in disease. Therefore, it has been classified as a Variant of Uncertain Significance.